The following is an entry in ClinVar:

ClinVar aggregate classification (germline): Uncertain significance (1 of 4 stars; one submission).

Submission:

GeneDx
Classification: Uncertain significance. Last evaluated: 2024-08-05. Review status: criteria provided, single submitter. Criteria: GeneDx Variant Classification Process June 2021. Collection method: clinical testing. Allele origin: germline. Affected: yes.
Comment: Not observed at significant frequency in large population cohorts (gnomAD); In silico analysis supports that this missense variant has a deleterious effect on protein structure/function; Has not been previously published as pathogenic or benign to our knowledge

NM_000414.4(HSD17B4):c.1768G>T (p.Val590Phe)

Gene: HSD17B4 (hydroxysteroid 17-beta dehydrogenase 4; plus strand). Cytogenetic location: 5q23.1.
Variant type: single nucleotide variant.
Coding change: c.1768G>T on transcript NM_000414.4 (MANE Select); coding-DNA position 1768, G replaced by T.
Protein change: p.Val590Phe; replaces valine 590 with phenylalanine.
Molecular consequence: missense variant. On other transcripts: non-coding transcript variant (2).
Genome position (GRCh38, 1-based): chr5:119,529,894, G>T. VCF-style: chr5-119529894-G-T. GRCh37 (hg19) VCF-style: chr5-118865589-G-T.
Other names: c.1843G>T, p.Val615Phe (NM_001199291.3); c.1714G>T, p.Val572Phe (NM_001199292.2); c.1696G>T, p.Val566Phe (NM_001292027.2, NM_001374498.1); c.1348G>T, p.Val450Phe (NM_001292028.2); c.1759G>T, p.Val587Phe (NM_001374497.1); c.1441G>T, p.Val481Phe (NM_001374499.1); c.1327G>T, p.Val443Phe (NM_001374500.1); c.1357G>T, p.Val453Phe (NM_001374501.1, NM_001374502.1, NM_001374503.1); short protein forms V443F, V450F, V453F, V481F, V566F, V572F, V587F, V590F.
Identifiers: ClinVar variation 3602919 (VCV003602919.1).